The following is an entry in ClinVar:

NM_014336.5(AIPL1):c.140C>T (p.Thr47Ile)

Gene: AIPL1 (AIP like 1 HSP90 co-chaperone; minus strand). Cytogenetic location: 17p13.2.
Variant type: single nucleotide variant.
Coding change: c.140C>T on transcript NM_014336.5 (MANE Select); coding-DNA position 140, C replaced by T.
Protein change: p.Thr47Ile; replaces threonine 47 with isoleucine.
Molecular consequence: missense variant. On other transcripts: intron variant (2).
Genome position (GRCh38, 1-based): chr17:6,434,055, G>A on the plus strand (C>T on the coding strand, the complement: AIPL1 is on the minus strand). VCF-style: chr17-6434055-G-A. GRCh37 (hg19) VCF-style: chr17-6337375-G-A.
Other names: c.140C>T, p.Thr47Ile (NM_001033054.3, NM_001285401.3, NM_001285403.4); c.104C>T, p.Thr35Ile (NM_001285399.3); c.23C>T, p.Thr8Ile (NM_001285402.2); c.96+954C>T (NM_001033055.3); c.97-23C>T (NM_001285400.3); c.140C>T (NM_014336.4); short protein forms T8I, T35I, T47I.
Identifiers: ClinVar variation 1440831 (VCV001440831.5), dbSNP rs150656720, ClinGen allele CA8328612.

ClinVar aggregate classification (germline): Uncertain significance. Review status: criteria provided, multiple submitters, no conflicts (2 of 4 stars). 3 submissions from 3 submitters: Uncertain significance (3). Last evaluated 2025-08-15.

Conditions:
Leber congenital amaurosis 4 (LCA4). Identifiers: MedGen C1858386, MONDO:0011458, OMIM 604393.
AIPL1-related disorder. Also called: AIPL1-related disorders; AIPL1-related condition. Identifiers: MedGen CN239169.

gnomAD v4.1: 14 of 1,614,120 alleles (0.00087%); highest among the groups gnomAD compares: Admixed American, 0.017%; no homozygotes.

Submissions (3):

PreventionGenetics, part of Exact Sciences
Classification: Uncertain significance for AIPL1-related condition. Last evaluated: 2025-08-15. Review status: criteria provided, single submitter. Criteria: ACMG Guidelines, 2015. Collection method: clinical testing. Allele origin: germline.
Comment: The AIPL1 c.140C>T variant is predicted to result in the amino acid substitution p.Thr47Ile. To our knowledge, this variant has not been reported in the literature. This variant is reported in 0.026% of alleles in individuals of Latino descent in gnomAD. At this time, the clinical significance of this variant is uncertain due to the absence of conclusive functional and genetic evidence.

Labcorp Genetics (formerly Invitae), Labcorp
Classification: Uncertain significance for Leber congenital amaurosis 4. Last evaluated: 2022-05-25. Review status: criteria provided, single submitter. Criteria: Invitae Variant Classification Sherloc (09022015). Collection method: clinical testing. Allele origin: germline.
Comment: This sequence change replaces threonine, which is neutral and polar, with isoleucine, which is neutral and non-polar, at codon 47 of the AIPL1 protein (p.Thr47Ile). This variant is present in population databases (rs150656720, gnomAD 0.02%). This variant has not been reported in the literature in individuals affected with AIPL1-related conditions. Algorithms developed to predict the effect of missense changes on protein structure and function are either unavailable or do not agree on the potential impact of this missense change (SIFT: "Deleterious"; PolyPhen-2: "Probably Damaging"; Align-GVGD: "Class C0"). In summary, the available evidence is currently insufficient to determine the role of this variant in disease. Therefore, it has been classified as a Variant of Uncertain Significance.

Blueprint Genetics
Classification: Uncertain significance. Last evaluated: 2019-10-17. Review status: criteria provided, single submitter. Criteria: ACMG Guidelines, 2015. Collection method: clinical testing. Allele origin: germline.